The following is an entry in ClinVar:

ClinVar aggregate classification (germline): Uncertain significance (1 of 4 stars; one submission).

Conditions:
Dyskeratosis congenita. Identifiers: Orphanet 1775, MedGen C0265965, MONDO:0015780.

Submission:

Ambry Genetics
Classification: Uncertain significance for Dyskeratosis congenita. Last evaluated: 2026-05-15. Review status: criteria provided, single submitter. Criteria: Ambry Variant Classification Scheme 2023. Collection method: clinical testing. Allele origin: germline.
Comment: The p.R30L variant (also known as c.89G>T), located in coding exon 1 of the TERT gene, results from a G to T substitution at nucleotide position 89. The arginine at codon 30 is replaced by leucine, an amino acid with dissimilar properties. This amino acid position is well conserved in available vertebrate species. In addition, the in silico prediction for this alteration is inconclusive. Based on the available evidence, the clinical significance of this variant remains unclear.

NM_198253.3(TERT):c.89G>T (p.Arg30Leu)

Genes: TERT (telomerase reverse transcriptase; minus strand), LOC110806263 (TERT 5' regulatory region; plus strand). Cytogenetic location: 5p15.33.
Variant type: single nucleotide variant.
Coding change: c.89G>T on transcript NM_198253.3 (MANE Select); coding-DNA position 89, G replaced by T.
Protein change: p.Arg30Leu; replaces arginine 30 with leucine.
Molecular consequence: missense variant. On other transcripts: non-coding transcript variant (2).
Genome position (GRCh38, 1-based): chr5:1,294,901, C>A on the plus strand (G>T on the coding strand, the complement: TERT is on the minus strand). VCF-style: chr5-1294901-C-A. GRCh37 (hg19) VCF-style: chr5-1295016-C-A.
Other names: c.89G>T, p.Arg30Leu (NM_001193376.3); short protein forms R30L.
Identifiers: ClinVar variation 4865475 (VCV004865475.1).